The following is an entry in ClinVar:

ClinVar aggregate classification (germline): Likely benign. Review status: criteria provided, multiple submitters, no conflicts (2 of 4 stars). 3 submissions from 3 submitters: Likely benign (3). Last evaluated 2026-09-01.

Conditions:
Ullrich congenital muscular dystrophy 2 (UCMD2). Identifiers: Orphanet 75840, MedGen C4225314, MONDO:0014654, OMIM 616470.
Bethlem myopathy 2 (BTHLM2). Identifiers: Orphanet 536516, Orphanet 610, MedGen C4225313, MONDO:0034022, OMIM 616471.

Allele frequency attached by ClinVar (database versions not stated): ExAC 0.00004; 1000 Genomes Project 0.00020; 1000 Genomes Project 30x 0.00031; gnomAD 0.00004 and 0.00005; gnomAD exomes 0.00004; TOPMed 0.00005.
gnomAD v4.1: 108 of 1,614,138 alleles (0.0067%); highest among the groups gnomAD compares: East Asian, 0.011%; no homozygotes.

Submissions (3):

CeGaT Center for Human Genetics Tuebingen
Classification: Likely benign. Last evaluated: 2026-09-01. Review status: criteria provided, single submitter. Criteria: CeGaT Center For Human Genetics Tuebingen Variant Classification Criteria Version 2. Collection method: clinical testing. Allele origin: germline. Affected: yes. Observed: 2 variant alleles.
Comment: COL12A1: BP4, BP7

Labcorp Genetics (formerly Invitae), Labcorp
Classification: Likely benign for Bethlem myopathy 2; Ullrich congenital muscular dystrophy 2. Last evaluated: 2025-10-14. Review status: criteria provided, single submitter. Criteria: Invitae Variant Classification Sherloc (09022015). Collection method: clinical testing. Allele origin: germline.

GeneDx
Classification: Likely benign. Last evaluated: 2020-01-14. Review status: criteria provided, single submitter. Criteria: GeneDx Variant Classification Process June 2021. Collection method: clinical testing. Allele origin: germline. Affected: yes.

NM_004370.6(COL12A1):c.2637C>T (p.Tyr879=)

Gene: COL12A1 (collagen type XII alpha 1 chain; minus strand). Cytogenetic location: 6q13.
Variant type: single nucleotide variant.
Coding change: c.2637C>T on transcript NM_004370.6 (MANE Select); coding-DNA position 2637, C replaced by T.
Protein change: p.Tyr879=; no amino-acid change (tyrosine 879 retained).
Molecular consequence: synonymous variant. On other transcripts: intron variant (1).
Genome position (GRCh38, 1-based): chr6:75,175,111, G>A on the plus strand (C>T on the coding strand, the complement: COL12A1 is on the minus strand). VCF-style: chr6-75175111-G-A. GRCh37 (hg19) VCF-style: chr6-75884827-G-A.
Other names: c.74-22629C>T (NM_080645.3).
Identifiers: ClinVar variation 1086406 (VCV001086406.19), dbSNP rs191863996, ClinGen allele CA3893926.
Genomic context (GRCh38, chr6:75,175,111, plus strand): 5'-TCCTTCACCAAAGAGGGCGTCTCCAGCCCCAGACGCATACAAGGCTGTCACAGATAAGGC[G>A]TATTGTGTCCCTTCCTTCAATCCCTGCAGCACCGTATTGGTTGTATCTCCCCTCACAGTG-3'
Protein context (NP_004361.3, residues 869-889): VLQGLKEGTQ[Tyr879=]ALSVTALYAS